The following is an entry in ClinVar:

NM_001040142.2(SCN2A):c.4025T>G (p.Leu1342Arg)

Gene: SCN2A (sodium voltage-gated channel alpha subunit 2; plus strand). Cytogenetic location: 2q24.3.
Variant type: single nucleotide variant.
Coding change: c.4025T>G on transcript NM_001040142.2 (MANE Select); coding-DNA position 4025, T replaced by G.
Protein change: p.Leu1342Arg; replaces leucine 1342 with arginine.
Molecular consequence: missense variant.
Genome position (GRCh38, 1-based): chr2:165,374,737, T>G. VCF-style: chr2-165374737-T-G. GRCh37 (hg19) VCF-style: chr2-166231247-T-G.
Other names: c.4025T>G, p.Leu1342Arg (NM_001040143.2, NM_001371246.1, NM_001371247.1 and 1 more transcripts); short protein forms L1342R.
Identifiers: ClinVar variation 4292476 (VCV004292476.1).

ClinVar aggregate classification (germline): Likely pathogenic (1 of 4 stars; one submission).

Conditions:
Developmental and epileptic encephalopathy, 11 (DEE11). Also called: Early infantile epileptic encephalopathy 11. Identifiers: Orphanet 1934, MedGen C3150987, MONDO:0013388, OMIM 613721.

Submission:

3billion
Classification: Likely pathogenic for Developmental and epileptic encephalopathy, 11. Last evaluated: 2024-10-31. Review status: criteria provided, single submitter. Criteria: ACMG Guidelines, 2015. Collection method: clinical testing. Allele origin: germline. Affected: yes.
Comment: The variant is not observed in the gnomAD v4.1.0 dataset. Predicted Consequence/Location: The variant is located in a mutational hot spot and/or well-established functional domain in which established pathogenic variants have been reported. In silico tool predictions suggest damaging effect of the variant on gene or gene product [REVEL: 0.99 (>=0.6, sensitivity 0.68 and specificity 0.92); 3Cnet: 0.99 (>=0.6, sensitivity 0.72 and precision 0.9)]. A different missense change at the same codon (p.Leu1342Pro) has been reported as pathogenic/likely pathogenic with strong evidence (ClinVar ID: VCV000206996 /PMID: 24710820). Therefore, this variant is classified as Likely pathogenic according to the recommendation of ACMG/AMP guideline.

Literature cited by the submitters: PubMed 24710820.